The following is an entry in ClinVar:

ClinVar aggregate classification (germline): Pathogenic. Review status: criteria provided, multiple submitters, no conflicts (2 of 4 stars). 6 submissions from 6 submitters: Pathogenic (5). 1 of the submissions does not count toward it. Last evaluated 2024-01-22.

Conditions:
Amelogenesis imperfecta type 1A. Also called: AMELOGENESIS IMPERFECTA, HYPOPLASTIC TYPE IA; Amelogenesis imperfecta, type IA; Amelogenesis imperfecta local hypoplastic; Amelogenesis imperfecta, hypoplastic type. Identifiers: Orphanet 88661, MedGen C4011403, MONDO:0007094, OMIM 104530.
Junctional epidermolysis bullosa gravis of Herlitz. Also called: Epidermolysis Bullosa Letalis; Herlitz-type junctional epidermolysis bullosa; EPIDERMOLYSIS BULLOSA JUNCTIONALIS, HERLITZ TYPE; EPIDERMOLYSIS BULLOSA, JUNCTIONAL, HERLITZ-PEARSON TYPE; EPIDERMOLYSIS BULLOSA, JUNCTIONAL 1B, SEVERE; JEB-HERLITZ TYPE. Identifiers: Orphanet 79404, MedGen C0079683, MONDO:0009182, OMIM 226700.
Junctional epidermolysis bullosa, non-Herlitz type. Also called: Adult junctional epidermolysis bullosa; EPIDERMOLYSIS BULLOSA JUNCTIONALIS, DISENTIS TYPE; EPIDERMOLYSIS BULLOSA JUNCTIONALIS, NON-HERLITZ TYPE; EPIDERMOLYSIS BULLOSA JUNCTIONALIS, PROGRESSIVE; EPIDERMOLYSIS BULLOSA JUNCTIONALIS, SEVERE NONLETHAL; Epidermolysis bullosa, junctional, non-herlitz type, somatic mosaic revertant. Identifiers: Orphanet 251393, Orphanet 79402, Orphanet 79405, Orphanet 89840, MedGen C0268374, MONDO:0009180, OMIM 226650.

Submissions (6):

Labcorp Genetics (formerly Invitae), Labcorp
Classification: Pathogenic. Last evaluated: 2024-01-22. Review status: criteria provided, single submitter. Criteria: Invitae Variant Classification Sherloc (09022015). Collection method: clinical testing. Allele origin: germline.
Comment: This sequence change creates a premature translational stop signal (p.Val948Cysfs*82) in the LAMB3 gene. It is expected to result in an absent or disrupted protein product. Loss-of-function variants in LAMB3 are known to be pathogenic (PMID: 11023379, 16473856). This variant is present in population databases (rs772421306, gnomAD 0.004%). This premature translational stop signal has been observed in individuals with Herlitz junctional epidermolysis bullosa (PMID: 16473856). ClinVar contains an entry for this variant (Variation ID: 372403). For these reasons, this variant has been classified as Pathogenic.

Fulgent Genetics
Classification: Pathogenic for Amelogenesis imperfecta type 1A; Junctional epidermolysis bullosa, non-Herlitz type; Junctional epidermolysis bullosa gravis of Herlitz. Last evaluated: 2021-10-10. Review status: criteria provided, single submitter. Criteria: ACMG Guidelines, 2015. Collection method: clinical testing. Allele origin: unknown.

Women's Health and Genetics/Laboratory Corporation of America, LabCorp
Classification: Pathogenic for Adult junctional epidermolysis bullosa. Last evaluated: 2018-11-09. Review status: criteria provided, single submitter. Criteria: LabCorp Variant Classification Summary - May 2015. Collection method: clinical testing. Allele origin: germline.
Comment: Variant summary: LAMB3 c.2842delG (p.Val948CysfsX82) results in a premature termination codon, predicted to cause a truncation of the encoded protein or absence of the protein due to nonsense mediated decay, which are commonly known mechanisms for disease. The variant allele was found at a frequency of 1.8e-05 in 277164 control chromosomes (gnomAD). The variant, c.2842delG, has been reported in the literature in individuals affected with Herlitz Junctional Epidermolysis Bullosa (Kittridge_2014, Varki_2006). These data indicate that the variant is likely to be associated with disease. To our knowledge, no experimental evidence demonstrating an impact on protein function has been reported. One clinical diagnostic laboratory has submitted clinical-significance assessments for this variant to ClinVar after 2014 without evidence for independent evaluation and classified the variant as pathogenic. Based on the evidence outlined above, the variant was classified as pathogenic.

GeneDx
Classification: Pathogenic. Last evaluated: 2016-02-08. Review status: criteria provided, single submitter. Criteria: GeneDx Variant Classification (06012015). Collection method: clinical testing. Allele origin: germline. Affected: yes.
Comment: The c.2842delG pathogenic variant in the LAMB3 gene has been reported previously in thehomozygous or compound heterozygous state in patients with Herlitz JEB (Varki et al., 2006;Kittridge et al., 2014). The deletion causes a frameshift starting with codon Valine 948, changes this amino acid to a Cysteine residue and creates a premature Stop codon at position 82 of the new reading frame, denoted p.Val948CysfsX82. This pathogenic variant is predicted to cause loss of normal protein function either through protein truncation or nonsense-mediated mRNA decay. In addition, the c.2842delG variant was not observed in approximately 6,500 individuals of European and African American ancestry in the NHLBI Exome Sequencing Project, indicating it is not a common benign variant in these populations. We interpret c.2842delG as a pathogenic variant.

Baylor Genetics
Classification: Pathogenic for Junctional epidermolysis bullosa gravis of Herlitz. Review status: criteria provided, single submitter. Criteria: ACMG Guidelines, 2015. Collection method: clinical testing. Allele origin: germline.

Counsyl
Classification: Likely pathogenic for Junctional epidermolysis bullosa gravis of Herlitz. Last evaluated: 2015-03-19. Review status: no assertion criteria provided. Collection method: clinical testing. Allele origin: unknown. Not counted in ClinVar's aggregate classification.

Literature cited by the submitters: PubMed 11023379 (cited by Labcorp Genetics (formerly Invitae), Labcorp); PubMed 16473856 (cited by 3 submitters); PubMed 23278291 (cited by Women's Health and Genetics/Laboratory Corporation of America, LabCorp and Counsyl).

NM_000228.3(LAMB3):c.2842del (p.Val948fs)

Gene: LAMB3 (laminin subunit beta 3; minus strand). Cytogenetic location: 1q32.2.
Variant type: Deletion.
Coding change: c.2842del on transcript NM_000228.3 (MANE Select); coding-DNA position 2842, one base deleted (G; older notation c.2842delG).
Protein change: p.Val948fs; shifts the reading frame from valine 948.
Molecular consequence: frameshift variant.
Genome position (GRCh38, 1-based): chr1:209,618,519, C deleted on the plus strand (G on the coding strand, the reverse complement: LAMB3 is on the minus strand); the first of 2 consecutive C bases (chr1:209,618,519-209,618,520); deleting either gives the same sequence. VCF-style (leftmost placement, unchanged base first): chr1-209618518-AC-A. GRCh37 (hg19) VCF-style: chr1-209791863-AC-A.
Other names: c.2842del, p.Val948fs (NM_001017402.2, NM_001127641.1); short protein forms V948fs.
Identifiers: ClinVar variation 372403 (VCV000372403.16), dbSNP rs772421306, ClinGen allele CA1375081.